The following is an entry in ClinVar:

NM_006231.4(POLE):c.975G>A (p.Lys325=)

Gene: POLE (DNA polymerase epsilon, catalytic subunit; minus strand). Cytogenetic location: 12q24.33.
Variant type: single nucleotide variant.
Coding change: c.975G>A on transcript NM_006231.4 (MANE Select); coding-DNA position 975, G replaced by A.
Protein change: p.Lys325=; no amino-acid change (lysine 325 retained).
Molecular consequence: synonymous variant.
Genome position (GRCh38, 1-based): chr12:132,676,139, C>T on the plus strand (G>A on the coding strand, the complement: POLE is on the minus strand). VCF-style: chr12-132676139-C-T. GRCh37 (hg19) VCF-style: chr12-133252725-C-T.
Identifiers: ClinVar variation 413566 (VCV000413566.17), dbSNP rs778124242, ClinGen allele CA6894130.
Genomic context (GRCh38, chr12:132,676,139, plus strand): 5'-GTGATACCTCCTTACCTCATCGGGTTCATTGAAGACACAAAAGGGGCCTTCATATTCTGG[C>T]TTGGGGGTGAACTCAAAATCTTCAATATCTTCTGAAACAATCTCCCTGTTGGTGATGAGG-3'
Protein context (NP_006222.2, residues 315-335): EDIEDFEFTP[Lys325=]PEYEGPFCVF

ClinVar aggregate classification (germline): Benign/Likely benign. Review status: criteria provided, multiple submitters, no conflicts (2 of 4 stars). 4 submissions from 4 submitters: Benign (1); Likely benign (3). Last evaluated 2025-08-22.

Conditions:
Hereditary cancer-predisposing syndrome. Also called: Neoplastic Syndromes, Hereditary; Tumor predisposition; Hereditary Cancer Syndrome; Hereditary neoplastic syndrome. Identifiers: Orphanet 140162, MedGen C0027672, MeSH D009386, MONDO:0015356.
Colorectal cancer, susceptibility to, 12 (CRCS12). Also called: COLORECTAL CANCER, SUSCEPTIBILITY TO, ON CHROMOSOME 12q24. Identifiers: Orphanet 220460, MedGen C3554460, MONDO:0014038, OMIM 615083.

Allele frequency attached by ClinVar (database versions not stated): gnomAD exomes 0.00001; ExAC 0.00002.
gnomAD v4.1: 15 of 1,613,162 alleles (0.00093%); highest among the groups gnomAD compares: Admixed American, 0.0033%; no homozygotes.

Submissions (4):

Labcorp Genetics (formerly Invitae), Labcorp
Classification: Likely benign. Last evaluated: 2025-08-22. Review status: criteria provided, single submitter. Criteria: Invitae Variant Classification Sherloc (09022015). Collection method: clinical testing. Allele origin: germline.

Myriad Genetics, Inc.
Classification: Benign for Colorectal cancer, susceptibility to, 12. Last evaluated: 2025-02-07. Review status: criteria provided, single submitter. Criteria: Myriad Autosomal Dominant, Autosomal Recessive and X-Linked Classification Criteria (2023). Collection method: clinical testing. Allele origin: unknown.
Comment: This variant is considered benign. This variant is a silent/synonymous amino acid change and it is not expected to impact splicing.

Blueprint Genetics
Classification: Likely benign. Last evaluated: 2022-09-07. Review status: criteria provided, single submitter. Criteria: ACMG Guidelines, 2015. Collection method: clinical testing. Allele origin: germline.

Ambry Genetics
Classification: Likely benign for Hereditary cancer-predisposing syndrome. Last evaluated: 2019-07-02. Review status: criteria provided, single submitter. Criteria: Ambry Variant Classification Scheme 2023. Collection method: clinical testing. Allele origin: germline.